The following is an entry in ClinVar:

ClinVar aggregate classification (germline): Likely benign. Review status: criteria provided, multiple submitters, no conflicts (2 of 4 stars). 3 submissions from 3 submitters: Likely benign (2). 1 of the submissions does not count toward it. Last evaluated 2025-10-10.

Conditions:
Familial cold autoinflammatory syndrome 3 (FCAS3). Also called: ANTIBODY DEFICIENCY AND IMMUNE DYSREGULATION, PLCG2-ASSOCIATED; FAMILIAL ATYPICAL COLD URTICARIA. Identifiers: Orphanet 300359, MedGen C3280914, MONDO:0013766, OMIM 614468.
PLCG2-related disorder. Also called: PLCG2-related condition.

Allele frequency attached by ClinVar (database versions not stated): TOPMed 0.00001; gnomAD exomes 0.00002 and 0.00004; gnomAD 0.00003; ExAC 0.00005.
gnomAD v4.1: 38 of 1,614,084 alleles (0.0024%); highest among the groups gnomAD compares: East Asian, 0.013%; no homozygotes.

Submissions (3):

Labcorp Genetics (formerly Invitae), Labcorp
Classification: Likely benign for Familial cold autoinflammatory syndrome 3. Last evaluated: 2025-10-10. Review status: criteria provided, single submitter. Criteria: Invitae Variant Classification Sherloc (09022015). Collection method: clinical testing. Allele origin: germline.

Blueprint Genetics
Classification: Likely benign. Last evaluated: 2024-03-12. Review status: criteria provided, single submitter. Criteria: ACMG Guidelines, 2015. Collection method: clinical testing. Allele origin: germline.

PreventionGenetics, part of Exact Sciences
Classification: Likely benign for PLCG2-related condition. Last evaluated: 2022-10-11. Review status: no assertion criteria provided. Collection method: clinical testing. Allele origin: germline. Not counted in ClinVar's aggregate classification.
Comment: This variant is classified as likely benign based on ACMG/AMP sequence variant interpretation guidelines (Richards et al. 2015 PMID: 25741868, with internal and published modifications).

NM_002661.5(PLCG2):c.2160C>T (p.Tyr720=)

Gene: PLCG2 (phospholipase C gamma 2; plus strand). Cytogenetic location: 16q23.3.
Variant type: single nucleotide variant.
Coding change: c.2160C>T on transcript NM_002661.5 (MANE Select); coding-DNA position 2160, C replaced by T.
Protein change: p.Tyr720=; no amino-acid change (tyrosine 720 retained).
Molecular consequence: synonymous variant.
Genome position (GRCh38, 1-based): chr16:81,919,589, C>T. VCF-style: chr16-81919589-C-T. GRCh37 (hg19) VCF-style: chr16-81953194-C-T.
Other names: c.2160C>T (NM_002661.4).
Identifiers: ClinVar variation 1540187 (VCV001540187.11), dbSNP rs554237118, ClinGen allele CA8194102.